The following is an entry in ClinVar:

NM_001005242.3(PKP2):c.486G>A (p.Thr162=)

Gene: PKP2 (plakophilin 2; minus strand). Cytogenetic location: 12p11.21.
Variant type: single nucleotide variant.
Coding change: c.486G>A on transcript NM_001005242.3 (MANE Select); coding-DNA position 486, G replaced by A.
Protein change: p.Thr162=; no amino-acid change (threonine 162 retained).
Molecular consequence: synonymous variant.
Genome position (GRCh38, 1-based): chr12:32,878,394, C>T on the plus strand (G>A on the coding strand, the complement: PKP2 is on the minus strand). VCF-style: chr12-32878394-C-T. GRCh37 (hg19) VCF-style: chr12-33031328-C-T.
Other names: c.486G>A, p.Thr162= (NM_004572.4).
Identifiers: ClinVar variation 414023 (VCV000414023.25), dbSNP rs189040311, ClinGen allele CA037628.

ClinVar aggregate classification (germline): Likely benign. Review status: criteria provided, multiple submitters, no conflicts (2 of 4 stars). 6 submissions from 6 submitters: Likely benign (6). Last evaluated 2026-09-01.

Conditions:
Arrhythmogenic right ventricular dysplasia 9 (ARVD9). Also called: Arrhythmogenic Right Ventricular Dysplasia/Cardiomyopathy 9; ARRHYTHMOGENIC RIGHT VENTRICULAR DYSPLASIA, FAMILIAL, 9. Identifiers: MedGen C1836906, MONDO:0012180, OMIM 609040.
Cardiovascular phenotype. Identifiers: MedGen CN230736.
Arrhythmogenic right ventricular cardiomyopathy (ARVD). Also called: Arrhythmogenic Right Ventricular Cardiomyopathy (ARVC); Arrhythmogenic cardiomyopathy; Cardiomyopathy, ARVC; Arrhythmogenic right ventricular dysplasia. Identifiers: Orphanet 247, MedGen C0349788, MeSH D019571, MONDO:0016587. Disease mechanism: loss of function. Inheritance: Various modes of inheritance.
Cardiomyopathy (CMYO). Also called: Cardiomyopathies. Identifiers: Orphanet 167848, MedGen C0878544, MONDO:0004994, HP:0001638. Inheritance: Various modes of inheritance.

Allele frequency attached by ClinVar (database versions not stated): gnomAD 0.00002 and 0.00006; TOPMed 0.00002; ExAC 0.00003; gnomAD exomes 0.00003.
gnomAD v4.1: 20 of 1,613,842 alleles (0.0012%); highest among the groups gnomAD compares: Admixed American, 0.017%; no homozygotes.

Submissions (6):

CeGaT Center for Human Genetics Tuebingen
Classification: Likely benign. Last evaluated: 2026-09-01. Review status: criteria provided, single submitter. Criteria: CeGaT Center For Human Genetics Tuebingen Variant Classification Criteria Version 2. Collection method: clinical testing. Allele origin: germline. Affected: yes. Observed: 4 variant alleles.
Comment: PKP2: BP4, BP7

Labcorp Genetics (formerly Invitae), Labcorp
Classification: Likely benign for Arrhythmogenic right ventricular dysplasia 9. Last evaluated: 2025-09-05. Review status: criteria provided, single submitter. Criteria: Invitae Variant Classification Sherloc (09022015). Collection method: clinical testing. Allele origin: germline.

All of Us Research Program, National Institutes of Health
Classification: Likely benign for Arrhythmogenic right ventricular cardiomyopathy. Last evaluated: 2023-12-01. Review status: criteria provided, single submitter. Criteria: ACMG Guidelines, 2015. Collection method: clinical testing. Allele origin: germline. Inheritance: Autosomal dominant inheritance. Observed: 4 variant alleles, 4 heterozygotes.
Comment: This study involves interpretation of variants in research participants for the purpose of population health screening. Participant phenotype was not available at the time of variant classification. Additional details can be found in publication PMID: 35346344, PMCID: PMC8962531

Ambry Genetics
Classification: Likely benign for Cardiovascular phenotype. Last evaluated: 2021-02-09. Review status: criteria provided, single submitter. Criteria: Ambry Variant Classification Scheme 2023. Collection method: clinical testing. Allele origin: germline.

Color Diagnostics, LLC DBA Color Health
Classification: Likely benign for Cardiomyopathy. Last evaluated: 2019-06-10. Review status: criteria provided, single submitter. Criteria: ACMG Guidelines, 2015. Collection method: clinical testing. Allele origin: germline.

Breakthrough Genomics
Classification: Likely benign. Review status: criteria provided, single submitter. Criteria: ACMG Guidelines, 2015. Collection method: not provided. Allele origin: germline. Inheritance: Autosomal dominant inheritance. Affected: yes.